The following is an entry in ClinVar:

ClinVar aggregate classification (germline): Uncertain significance (1 of 4 stars; one submission).

gnomAD v4.1: 1 of 1,611,672 alleles (0.000062%); highest among the groups gnomAD compares: Non-Finnish European, 0.000085%; no homozygotes.

Submission:

Labcorp Genetics (formerly Invitae), Labcorp
Classification: Uncertain significance. Last evaluated: 2025-02-23. Review status: criteria provided, single submitter. Criteria: Invitae Variant Classification Sherloc (09022015). Collection method: clinical testing. Allele origin: germline.
Comment: This sequence change replaces isoleucine, which is neutral and non-polar, with valine, which is neutral and non-polar, at codon 90 of the MTOR protein (p.Ile90Val). This variant is not present in population databases (gnomAD no frequency). This variant has not been reported in the literature in individuals affected with MTOR-related conditions. Invitae Evidence Modeling of protein sequence and biophysical properties (such as structural, functional, and spatial information, amino acid conservation, physicochemical variation, residue mobility, and thermodynamic stability) indicates that this missense variant is not expected to disrupt MTOR protein function with a negative predictive value of 95%. In summary, the available evidence is currently insufficient to determine the role of this variant in disease. Therefore, it has been classified as a Variant of Uncertain Significance.

NM_004958.4(MTOR):c.268A>G (p.Ile90Val)

Gene: MTOR (mechanistic target of rapamycin kinase; minus strand). Cytogenetic location: 1p36.22.
Variant type: single nucleotide variant.
Coding change: c.268A>G on transcript NM_004958.4 (MANE Select); coding-DNA position 268, A replaced by G.
Protein change: p.Ile90Val; replaces isoleucine 90 with valine.
Molecular consequence: missense variant. On other transcripts: 5 prime UTR variant (1).
Genome position (GRCh38, 1-based): chr1:11,258,488, T>C on the plus strand (A>G on the coding strand, the complement: MTOR is on the minus strand). VCF-style: chr1-11258488-T-C. GRCh37 (hg19) VCF-style: chr1-11318545-T-C.
Other names: c.268A>G, p.Ile90Val (NM_001386500.1); c.-872A>G (NM_001386501.1); short protein forms I90V.
Identifiers: ClinVar variation 4799855 (VCV004799855.1).
Genomic context (GRCh38, chr1:11,258,488, plus strand): 5'-GTGCAGTGGGCACAAAGGTGAGTGTGTTGTTTTTGTGACCAGAGACTCTGTCCTTACCTA[T>C]GGCCAAGATGCCACCTTTCCTCTCATTGGCATCTGAGCTGGAAACCAATTCAAAAATGTG-3'
Protein context (NP_004949.1, residues 80-100): ANERKGGILA[Ile90Val]ASLIGVEGGN